The following is an entry in ClinVar:

NM_000218.3(KCNQ1):c.1781G>C (p.Arg594Pro)

Gene: KCNQ1 (potassium voltage-gated channel subfamily Q member 1; plus strand). Cytogenetic location: 11p15.5.
Variant type: single nucleotide variant.
Coding change: c.1781G>C on transcript NM_000218.3 (MANE Select); coding-DNA position 1781, G replaced by C.
Protein change: p.Arg594Pro; replaces arginine 594 with proline.
Molecular consequence: missense variant.
Genome position (GRCh38, 1-based): chr11:2,778,024, G>C. VCF-style: chr11-2778024-G-C. GRCh37 (hg19) VCF-style: chr11-2799254-G-C.
Other names: p.R594P:CGA>CCA; c.1781G>C (LRG_287t1); c.1685G>C, p.Arg562Pro (NM_001406836.1); c.1511G>C, p.Arg504Pro (NM_001406837.1); c.1241G>C, p.Arg414Pro (NM_001406838.1); c.293G>C, p.Arg98Pro (NM_001406839.1); c.1400G>C, p.Arg467Pro (NM_181798.2); short protein forms R594P, R467P, R414P, R504P, R562P, R98P.
Identifiers: ClinVar variation 53019 (VCV000053019.28), dbSNP rs199472815, ClinGen allele CA006395.

ClinVar aggregate classification (germline): Pathogenic/Likely pathogenic. Review status: criteria provided, multiple submitters, no conflicts (2 of 4 stars). 6 submissions from 6 submitters: Pathogenic (1); Likely pathogenic (4). 1 of the submissions does not count toward it. Last evaluated 2026-01-03.

Conditions:
Sudden unexplained death or survivors of a cardiac event.
Cardiovascular phenotype. Identifiers: MedGen CN230736.
Familial long QT syndrome (RWS). Also called: Congenital long QT syndrome; Romano-Ward syndrome; VENTRICULAR FIBRILLATION WITH PROLONGED QT INTERVAL. Identifiers: Orphanet 768, MedGen C1141890, MONDO:0019171.
Long QT syndrome (LQTS). Identifiers: MedGen C0023976, MeSH D008133, MONDO:0002442. Disease mechanism: loss of function. Inheritance: Various modes of inheritance.

gnomAD v4.1: 8 of 1,613,760 alleles (0.0005%); highest among the groups gnomAD compares: Non-Finnish European, 0.00059%; no homozygotes.

Submissions (6):

GeneDx
Classification: Likely pathogenic. Last evaluated: 2026-01-03. Review status: criteria provided, single submitter. Criteria: GeneDx Variant Classification Process June 2021. Collection method: clinical testing. Allele origin: germline. Affected: yes.
Comment: Not observed at significant frequency in large population cohorts (gnomAD); In silico analysis supports that this missense variant has a deleterious effect on protein structure/function; This variant is associated with the following publications: (PMID: 27041150, 19841300, 20662986, 19716085, 23392653, 27332903, 25854863, 11530100, 25453094, 10973849, 17224687)

Labcorp Genetics (formerly Invitae), Labcorp
Classification: Pathogenic for Long QT syndrome. Last evaluated: 2025-12-27. Review status: criteria provided, single submitter. Criteria: Invitae Variant Classification Sherloc (09022015). Collection method: clinical testing. Allele origin: germline.
Comment: This sequence change replaces arginine, which is basic and polar, with proline, which is neutral and non-polar, at codon 594 of the KCNQ1 protein (p.Arg594Pro). This variant is not present in population databases (gnomAD no frequency). This missense change has been observed in individuals with long QT syndrome, prolonged QT interval, and/or unexplained sudden cardiac death (PMID: 17224687, 19716085, 23392653, 27332903; internal data). ClinVar contains an entry for this variant (Variation ID: 53019). Invitae Evidence Modeling of protein sequence and biophysical properties (such as structural, functional, and spatial information, amino acid conservation, physicochemical variation, residue mobility, and thermodynamic stability) indicates that this missense variant is expected to disrupt KCNQ1 protein function with a positive predictive value of 95%. This variant disrupts the p.Arg594 amino acid residue in KCNQ1. Other variant(s) that disrupt this residue have been determined to be pathogenic (PMID: 10973849, 11530100, 20662986, 25453094). This suggests that this residue is clinically significant, and that variants that disrupt this residue are likely to be disease-causing. For these reasons, this variant has been classified as Pathogenic.

Mayo Clinic Laboratories, Mayo Clinic
Classification: Likely pathogenic. Last evaluated: 2025-07-18. Review status: criteria provided, single submitter. Criteria: ACMG Guidelines, 2015. Collection method: clinical testing. Allele origin: germline. Observed: 2 variant alleles.
Comment: PP3_moderate, PM2_supporting, PM5, PS4_moderate

Ambry Genetics
Classification: Likely pathogenic for Cardiovascular phenotype. Last evaluated: 2025-07-01. Review status: criteria provided, single submitter. Criteria: Ambry Variant Classification Scheme 2023. Collection method: clinical testing. Allele origin: germline.
Comment: The p.R594P variant (also known as c.1781G>C), located in coding exon 15 of the KCNQ1 gene, results from a G to C substitution at nucleotide position 1781. The arginine at codon 594 is replaced by proline, an amino acid with dissimilar properties, and is located in the C-terminal cytoplasmic assembly domain. This alteration has been associated with long QT syndrome (LQTS) in several individuals, most of whom harbored other KCNQ1 variants, and has been reported in cis with p.T144A (Miller TE et al. Genet. Med. 2007;9:23-33; Kapplinger JD et al. Heart Rhythm. 2009;6:1297-303; Giudicessi JR et al. Circ Cardiovasc Genet. 2013;6:193-200; Bagnall RD et al. N. Engl. J. Med. 2016;374:2441-52). Another alteration at the same codon, p.R594Q (c.1781G>A), has been described in association with LQTS (Splawski I et al. Circulation. 2000;102(10):1178-85). This variant is considered to be rare based on population cohorts in the Genome Aggregation Database (gnomAD). This amino acid position is highly conserved in available vertebrate species. In addition, this alteration is predicted to be deleterious by in silico analysis. Based on the majority of available evidence to date, this variant is likely to be pathogenic.

North West Genomic Laboratory Hub, Manchester University NHS Foundation Trust
Classification: Likely pathogenic for Sudden unexplained death or survivors of a cardiac event. Last evaluated: 2025-03-07. Review status: criteria provided, single submitter. Criteria: ACGS Best Practice Guidelines for Variant Classification in Rare Disease 2020. Collection method: clinical testing. Allele origin: germline. Affected: yes.
Comment: PP3_Supp PM2_Mod PS4_Supp PM1_Mod

Cardiovascular Biomedical Research Unit, Royal Brompton & Harefield NHS Foundation Trust
No classification provided. Condition: Familial long QT syndrome. Review status: no classification provided. Collection method: literature only. Allele origin: germline. Not counted in ClinVar's aggregate classification.
Comment: This variant has been reported as associated with Long QT syndrome in the following publications (PMID:17224687;PMID:19716085). This is a literature report, and does not necessarily reflect the clinical interpretation of the Imperial College / Royal Brompton Cardiovascular Genetics laboratory.

Literature cited by the submitters: PubMed 17224687 (cited by 4 submitters); PubMed 19716085 (cited by 3 submitters); PubMed 23392653 (cited by 3 submitters); PubMed 27332903 (cited by 3 submitters); PubMed 10973849 (cited by Labcorp Genetics (formerly Invitae), Labcorp); PubMed 11530100 (cited by Labcorp Genetics (formerly Invitae), Labcorp); PubMed 20662986 (cited by Labcorp Genetics (formerly Invitae), Labcorp); PubMed 25453094 (cited by Labcorp Genetics (formerly Invitae), Labcorp and Mayo Clinic Laboratories, Mayo Clinic); PubMed 34135346 (cited by Ambry Genetics); PubMed 22581653 (cited by Cardiovascular Biomedical Research Unit, Royal Brompton & Harefield NHS Foundation Trust).